The following is an entry in ClinVar:

NM_080680.3(COL11A2):c.4994G>A (p.Arg1665Lys)

Gene: COL11A2 (collagen type XI alpha 2 chain; minus strand). Cytogenetic location: 6p21.32.
Variant type: single nucleotide variant.
Coding change: c.4994G>A on transcript NM_080680.3 (MANE Select); coding-DNA position 4994, G replaced by A.
Protein change: p.Arg1665Lys; replaces arginine 1665 with lysine.
Molecular consequence: missense variant.
Genome position (GRCh38, 1-based): chr6:33,164,343, C>T on the plus strand (G>A on the coding strand, the complement: COL11A2 is on the minus strand). VCF-style: chr6-33164343-C-T. GRCh37 (hg19) VCF-style: chr6-33132120-C-T.
Other names: c.4673G>A, p.Arg1558Lys (NM_080679.3); c.4736G>A, p.Arg1579Lys (NM_080681.3); short protein forms R1665K, R1558K, R1579K.
Identifiers: ClinVar variation 2061220 (VCV002061220.1), dbSNP rs1768765722, ClinGen allele CA363616070.

ClinVar aggregate classification (germline): Uncertain significance (1 of 4 stars; one submission).

Allele frequency attached by ClinVar (database versions not stated): gnomAD exomes below 0.00001; gnomAD 0.00001; TOPMed 0.00001.
gnomAD v4.1: 3 of 1,612,834 alleles (0.00019%); highest among the groups gnomAD compares: African/African-American, 0.0027%; no homozygotes.

Submission:

Labcorp Genetics (formerly Invitae), Labcorp
Classification: Uncertain significance. Last evaluated: 2021-12-25. Review status: criteria provided, single submitter. Criteria: Invitae Variant Classification Sherloc (09022015). Collection method: clinical testing. Allele origin: germline.
Comment: This sequence change replaces arginine, which is basic and polar, with lysine, which is basic and polar, at codon 1665 of the COL11A2 protein (p.Arg1665Lys). This variant is not present in population databases (gnomAD no frequency). This variant has not been reported in the literature in individuals affected with COL11A2-related conditions. Advanced modeling of protein sequence and biophysical properties (such as structural, functional, and spatial information, amino acid conservation, physicochemical variation, residue mobility, and thermodynamic stability) performed at Invitae indicates that this missense variant is not expected to disrupt COL11A2 protein function. In summary, the available evidence is currently insufficient to determine the role of this variant in disease. Therefore, it has been classified as a Variant of Uncertain Significance.